The following is an entry in ClinVar:

ClinVar aggregate classification (germline): Uncertain significance. Review status: criteria provided, multiple submitters, no conflicts (2 of 4 stars). 3 submissions from 3 submitters: Uncertain significance (3). Last evaluated 2022-02-01.

Conditions:
Citrullinemia type II. Also called: Citrullinemia Type II (CTLN2). Identifiers: Orphanet 247585, MedGen C1863844, MONDO:0016603.
Citrin deficiency. Identifiers: Orphanet 247582, MedGen C1997910, MONDO:0016602.

Allele frequency attached by ClinVar (database versions not stated): gnomAD 0.00003; TOPMed 0.00006; 1000 Genomes Project 30x 0.00016; 1000 Genomes Project 0.00020.
gnomAD v4.1: 85 of 1,614,116 alleles (0.0053%); highest among the groups gnomAD compares: East Asian, 0.15%; no homozygotes.

Submissions (3):

Labcorp Genetics (formerly Invitae), Labcorp
Classification: Uncertain significance for Citrin deficiency. Last evaluated: 2022-02-01. Review status: criteria provided, single submitter. Criteria: Invitae Variant Classification Sherloc (09022015). Collection method: clinical testing. Allele origin: germline.
Comment: This sequence change replaces arginine, which is basic and polar, with glutamine, which is neutral and polar, at codon 553 of the SLC25A13 protein (p.Arg553Gln). This variant is present in population databases (rs201283753, gnomAD 0.02%). This missense change has been observed in individual(s) with citrin deficiency or liver dysfunction (PMID: 22575253, 33763395). ClinVar contains an entry for this variant (Variation ID: 597152). Algorithms developed to predict the effect of missense changes on protein structure and function are either unavailable or do not agree on the potential impact of this missense change (SIFT: "Deleterious"; PolyPhen-2: "Possibly Damaging"; Align-GVGD: "Class C0"). In summary, the available evidence is currently insufficient to determine the role of this variant in disease. Therefore, it has been classified as a Variant of Uncertain Significance.

Eurofins Ntd Llc (ga)
Classification: Uncertain significance. Last evaluated: 2018-05-10. Review status: criteria provided, single submitter. Criteria: EGL ClinVar v180209 classification definitions. Collection method: clinical testing. Allele origin: germline. Observed: 1 variant allele, 1 heterozygote.

Illumina Laboratory Services, Illumina
Classification: Uncertain significance for Citrullinemia, type II, adult-onset. Last evaluated: 2017-04-27. Review status: criteria provided, single submitter. Criteria: ICSL Variant Classification Criteria 13 December 2019. Collection method: clinical testing. Allele origin: germline.
Comment: This variant was observed as part of a predisposition screen in an ostensibly healthy population. A literature search was performed for the gene, cDNA change, and amino acid change (where applicable). Publications were found based on this search. However, the evidence from the literature, in combination with allele frequency data from public databases where available, was not sufficient to rule this variant in or out of causing disease. Therefore, this variant is classified as a variant of unknown significance.

Literature cited by the submitters: PubMed 22575253 (cited by Labcorp Genetics (formerly Invitae), Labcorp and Illumina Laboratory Services, Illumina); PubMed 33763395 (cited by Labcorp Genetics (formerly Invitae), Labcorp).

NM_014251.3(SLC25A13):c.1658G>A (p.Arg553Gln)

Gene: SLC25A13 (solute carrier family 25 member 13; minus strand). Cytogenetic location: 7q21.3.
Variant type: single nucleotide variant.
Coding change: c.1658G>A on transcript NM_014251.3 (MANE Select); coding-DNA position 1658, G replaced by A.
Protein change: p.Arg553Gln; replaces arginine 553 with glutamine.
Molecular consequence: missense variant. On other transcripts: non-coding transcript variant (1).
Genome position (GRCh38, 1-based): chr7:96,121,931, C>T on the plus strand (G>A on the coding strand, the complement: SLC25A13 is on the minus strand). VCF-style: chr7-96121931-C-T. GRCh37 (hg19) VCF-style: chr7-95751243-C-T.
Other names: c.1661G>A, p.Arg554Gln (NM_001160210.2); short protein forms R553Q, R554Q.
Identifiers: ClinVar variation 597152 (VCV000597152.11), dbSNP rs201283753, ClinGen allele CA4352831.